The following is an entry in ClinVar:

NM_002474.3(MYH11):c.1292G>A (p.Arg431His)

Gene: MYH11 (myosin heavy chain 11; minus strand). Cytogenetic location: 16p13.11.
Variant type: single nucleotide variant.
Coding change: c.1292G>A on transcript NM_002474.3 (MANE Select); coding-DNA position 1292, G replaced by A.
Protein change: p.Arg431His; replaces arginine 431 with histidine.
Molecular consequence: missense variant.
Genome position (GRCh38, 1-based): chr16:15,759,685, C>T on the plus strand (G>A on the coding strand, the complement: MYH11 is on the minus strand). VCF-style: chr16-15759685-C-T. GRCh37 (hg19) VCF-style: chr16-15853542-C-T.
Other names: c.1313G>A, p.Arg438His (NM_001040113.2, NM_001040114.2); c.1292G>A, p.Arg431His (NM_022844.3); short protein forms R431H, R438H.
Identifiers: ClinVar variation 3336166 (VCV003336166.1).

ClinVar aggregate classification (germline): Uncertain significance (1 of 4 stars; one submission).

gnomAD v4.1: 1 of 1,614,062 alleles (0.000062%); highest among the groups gnomAD compares: Non-Finnish European, 0.000085%; no homozygotes.

Submission:

Women's Health and Genetics/Laboratory Corporation of America, LabCorp
Classification: Uncertain significance. Last evaluated: 2024-05-06. Review status: criteria provided, single submitter. Criteria: LabCorp Variant Classification Summary - May 2015. Collection method: clinical testing. Allele origin: germline.
Comment: Variant summary: MYH11 c.1313G>A (p.Arg438His) results in a non-conservative amino acid change located in the Myosin head, motor domain (IPR001609) of the encoded protein sequence. Five of five in-silico tools predict a damaging effect of the variant on protein function. The variant was absent in 251464 control chromosomes (gnomAD). The available data on variant occurrences in the general population are insufficient to allow any conclusion about variant significance. To our knowledge, no occurrence of c.1313G>A in individuals affected with Aortopathy and no experimental evidence demonstrating its impact on protein function have been reported. No submitters have cited clinical-significance assessments for this variant to ClinVar. Based on the evidence outlined above, the variant was classified as uncertain significance.